The following is an entry in ClinVar:

NM_016816.4(OAS1):c.628C>T (p.Arg210Cys)

Gene: OAS1 (2'-5'-oligoadenylate synthetase 1; plus strand). Cytogenetic location: 12q24.13.
Variant type: single nucleotide variant.
Coding change: c.628C>T on transcript NM_016816.4 (MANE Select); coding-DNA position 628, C replaced by T.
Protein change: p.Arg210Cys; replaces arginine 210 with cysteine.
Molecular consequence: missense variant.
Genome position (GRCh38, 1-based): chr12:112,911,209, C>T. VCF-style: chr12-112911209-C-T. GRCh37 (hg19) VCF-style: chr12-113349014-C-T.
Other names: c.628C>T, p.Arg210Cys (NM_001032409.3, NM_001320151.2, NM_002534.4); short protein forms R210C.
Identifiers: ClinVar variation 1440303 (VCV001440303.9), dbSNP rs754280709, ClinGen allele CA6799833.

ClinVar aggregate classification (germline): Uncertain significance (1 of 4 stars; one submission).

Allele frequency attached by ClinVar (database versions not stated): gnomAD 0.00002; gnomAD exomes 0.00006 and 0.00007; ExAC 0.00007.
gnomAD v4.1: 108 of 1,613,318 alleles (0.0067%); highest among the groups gnomAD compares: Non-Finnish European, 0.008%; no homozygotes.

Submission:

Labcorp Genetics (formerly Invitae), Labcorp
Classification: Uncertain significance. Last evaluated: 2025-10-22. Review status: criteria provided, single submitter. Criteria: Invitae Variant Classification Sherloc (09022015). Collection method: clinical testing. Allele origin: germline.
Comment: This sequence change replaces arginine, which is basic and polar, with cysteine, which is neutral and slightly polar, at codon 210 of the OAS1 protein (p.Arg210Cys). This variant is present in population databases (rs754280709, gnomAD 0.01%). This variant has not been reported in the literature in individuals affected with OAS1-related conditions. ClinVar contains an entry for this variant (Variation ID: 1440303). An algorithm developed to predict the effect of missense changes on protein structure and function (PolyPhen-2) suggests that this variant is likely to be disruptive. In summary, the available evidence is currently insufficient to determine the role of this variant in disease. Therefore, it has been classified as a Variant of Uncertain Significance.